The following is an entry in ClinVar:

ClinVar aggregate classification (germline): Pathogenic/Likely pathogenic. Review status: criteria provided, multiple submitters, no conflicts (2 of 4 stars). 6 submissions from 6 submitters: Pathogenic (1); Likely pathogenic (5). Last evaluated 2026-06-23.

Conditions:
Marfan Syndrome/Loeys-Dietz Syndrome/Familial Thoracic Aortic Aneurysms and Dissections. Identifiers: MedGen CN229799.
Marfan syndrome (MFS). Also called: FBN1-Related Marfan Syndrome; Marfan syndrome, classic; MARFAN SYNDROME, TYPE I; Marfan syndrome type 1; Marfan's syndrome. Identifiers: Orphanet 284963, Orphanet 558, MedGen C0024796, MONDO:0007947, OMIM 154700.
Familial thoracic aortic aneurysm and aortic dissection (TAAD). Also called: Thoracic aortic aneurysms and dissections. Identifiers: Orphanet 91387, MedGen C4707243, MONDO:0019625.
FBN1-related disorder. Also called: FBN1-related disorders.

Submissions (6):

PreventionGenetics, part of Exact Sciences
Classification: Likely pathogenic for FBN1-related condition. Last evaluated: 2026-06-23. Review status: criteria provided, single submitter. Criteria: ACMG Guidelines, 2015. Collection method: clinical testing. Allele origin: germline.
Comment: The FBN1 c.2242T>C variant is predicted to result in the amino acid substitution p.Cys748Arg. This variant is located in the cbEGF-like domain 7 of FBN1. Missense variants in FBN1 that create or destroy a cysteine residue are documented to cause Marfan syndrome (MFS) (Deitz 1993. PubMed ID: 20301510; Comeglio et al. 2007. PubMed ID: 17657824; Stheneur et al. 2009. PubMed ID: 19293843). This variant has been reported in at least three individuals with MFS (Table S1, Lerner-Ellis et al. 2014. PubMed ID: 24793577; Table S1, Becerra-Muñoz et al. 2018. PubMed ID: 29357934; Renner et al. 2019. PubMed ID: 30675029). This variant has not been reported in a large population database (gnomAD), indicating this variant is rare and is interpreted as likely pathogenic/pathogenic in ClinVar (Variation ID: 42300). An alternate missense at the same amino acid position, p.Cys748Tyr, has been reported in an individual with MFS (Katzke et al. 2002. PubMed ID: 12203992). This variant is interpreted as likely pathogenic.

Ambry Genetics
Classification: Likely pathogenic for Familial thoracic aortic aneurysm and aortic dissection. Last evaluated: 2025-10-23. Review status: criteria provided, single submitter. Criteria: Ambry Variant Classification Scheme 2023. Collection method: clinical testing. Allele origin: germline.
Comment: The p.C748R variant (also known as c.2242T>C), located in coding exon 18 of the FBN1 gene, results from a T to C substitution at nucleotide position 2242. The cysteine at codon 748 is replaced by arginine, an amino acid with highly dissimilar properties. This variant was reported in individual(s) with features consistent with Marfan syndrome (Lerner-Ellis JP et al. Mol Genet Metab, 2014 Jun;112:171-6; Becerra-Mu&ntilde;oz VM et al. Orphanet J Rare Dis, 2018 Jan;13:16; Renner S et al. Genet Med, 2019 Aug;21:1832-1841; Ambry internal data). The majority of FBN1 mutations identified to date have involved the substitution or generation of cysteine residues within cbEGF domains (Vollbrandt T et al. J Biol Chem. 2004;279(31):32924-32931). Internal structural analysis indicates this alteration eliminates a disulfide bond critical for the structural integrity of the cbEGF7 domain (Ambry internal data). This amino acid position is highly conserved in available vertebrate species. In addition, this alteration is predicted to be deleterious by in silico analysis. Based on the majority of available evidence to date, this variant is likely to be pathogenic.

Labcorp Genetics (formerly Invitae), Labcorp
Classification: Pathogenic for Marfan syndrome; Familial thoracic aortic aneurysm and aortic dissection. Last evaluated: 2019-07-31. Review status: criteria provided, single submitter. Criteria: Invitae Variant Classification Sherloc (09022015). Collection method: clinical testing. Allele origin: germline.
Comment: Algorithms developed to predict the effect of missense changes on protein structure and function (SIFT, PolyPhen-2, Align-GVGD) all suggest that this variant is likely to be disruptive, but these predictions have not been confirmed by published functional studies and their clinical significance is uncertain. For these reasons, this variant has been classified as Pathogenic. This variant has been observed in individuals affected with Marfan syndrome (PMID: 24793577, 29357934, 30675029). ClinVar contains an entry for this variant (Variation ID: 42300). This variant affects a cysteine residue in the EGF-like, TGFBP or hybrid motif domains of FBN1. Cysteine residues are believed to be involved in intramolecular disulfide bridges and have been shown to be important for FBN1 protein structure (PMID: 16905551, 19349279). In addition, missense substitutions affecting cysteine residues within these domains are significantly overrepresented among patients with Marfan syndrome (PMID: 16571647, 17701892). This sequence change replaces cysteine with arginine at codon 748 of the FBN1 protein (p.Cys748Arg). The cysteine residue is highly conserved and there is a large physicochemical difference between cysteine and arginine. This variant is not present in population databases (ExAC no frequency).

Institute of Human Genetics, University Medical Center Hamburg-Eppendorf
Classification: Likely pathogenic for Marfan syndrome. Last evaluated: 2018-11-20. Review status: criteria provided, single submitter. Criteria: ACMG Guidelines, 2015. Collection method: clinical testing. Allele origin: unknown. Inheritance: Autosomal dominant inheritance. Affected: yes.

Women's Health and Genetics/Laboratory Corporation of America, LabCorp
Classification: Likely pathogenic for Marfan Syndrome/Loeys-Dietz Syndrome/Familial Thoracic Aortic Aneurysms and Dissections. Last evaluated: 2017-05-05. Review status: criteria provided, single submitter. Criteria: LabCorp Variant Classification Summary - May 2015. Collection method: clinical testing. Allele origin: germline.
Comment: Variant summary: The FBN1 c.2242T>C (p.Cys748Arg) variant involves the alteration of a conserved nucleotide. 5/5 in silico tools predict a damaging outcome for this variant. This variant lies in a conserved region within EGF-like #07. "The sulfhydryl group of cysteine is unique in its ability to participate in disulfide covalent cross-linkage . In fact, two thirds of fibrillin cysteine residues exist in the half-cystinyl form, suggesting their participation in intramolecular disulfide linkage. The cysteine residues in the EGF-like motif may also be necessary for intermolecular interactions with other fibrillin molecules or with other proteins (Dietz_1992)." Therefore, alteration of cysteine in this domain could disrupt disulfide binding, effecting secondary or tertiary structure or possibly impairing fibrillin interactions. This variant is absent in 121350 control chromosomes and has been reported in a patient with MFS in the literature. A different variant involving the same codon (p.Cys748Tyr) has been reported in MFS patients in the literature (Halliday_2002, Katzke_2002), which supports the functional role of this amino acid position. In addition, one clinical diagnostic laboratory has classified this variant as likely pathogenic. Taken together, this variant is classified as "likely pathogenic,"until additional evidence becomes available.

Laboratory for Molecular Medicine, Mass General Brigham Personalized Medicine
Classification: Likely pathogenic for Marfan syndrome. Last evaluated: 2010-11-03. Review status: criteria provided, single submitter. Criteria: LMM Criteria. Collection method: clinical testing. Allele origin: germline. Observed: 1 variant allele.
Comment: The 2242T>C (Cys748Arg) variant has not been previously reported in the literatu re or been previously identified by our laboratory. A different variant at the s ame amino acid position (Cys748Tyr) has been reported in the literature in two a ffected individuals and was observed to segregate with disease in one family (Ka tzke 2002, Halliday 2002). Cystine at position 748 of FBN1 is highly conserved a cross several evolutionarily distant species, increasing the likelihood that thi s change is pathogenic. In addition, this variant affects a cysteine residue and cysteine substitutions are a common finding in individuals with Marfan syndrome (Schrijver 1999). Therefore, this variant is likely to be pathogenic.

Literature cited by the submitters: PubMed 24793577 (cited by 3 submitters); PubMed 29357934 (cited by Ambry Genetics and Labcorp Genetics (formerly Invitae), Labcorp); PubMed 30675029 (cited by 3 submitters); PubMed 16905551 (cited by Labcorp Genetics (formerly Invitae), Labcorp); PubMed 19349279 (cited by Labcorp Genetics (formerly Invitae), Labcorp); PubMed 16571647 (cited by Labcorp Genetics (formerly Invitae), Labcorp); PubMed 17701892 (cited by Labcorp Genetics (formerly Invitae), Labcorp); PubMed 10486319 (cited by Laboratory for Molecular Medicine, Mass General Brigham Personalized Medicine).

NM_000138.5(FBN1):c.2242T>C (p.Cys748Arg)

Gene: FBN1 (fibrillin 1; minus strand). Cytogenetic location: 15q21.1.
Variant type: single nucleotide variant.
Coding change: c.2242T>C on transcript NM_000138.5 (MANE Select); coding-DNA position 2242, T replaced by C.
Protein change: p.Cys748Arg; replaces cysteine 748 with arginine.
Molecular consequence: missense variant.
Genome position (GRCh38, 1-based): chr15:48,497,317, A>G on the plus strand (T>C on the coding strand, the complement: FBN1 is on the minus strand). VCF-style: chr15-48497317-A-G. GRCh37 (hg19) VCF-style: chr15-48789514-A-G.
Other names: short protein forms C748R.
Identifiers: ClinVar variation 42300 (VCV000042300.15), dbSNP rs397515765, ClinGen allele CA012895.